The following is an entry in ClinVar:

NM_001486.4(GCKR):c.937_940del (p.Ile313fs)

Gene: GCKR (glucokinase regulator; plus strand). Cytogenetic location: 2p23.3.
Variant type: Deletion.
Coding change: c.937_940del on transcript NM_001486.4 (MANE Select); coding-DNA positions 937 to 940, 4 bases deleted (ATTG; older notation c.937_940delATTG).
Protein change: p.Ile313fs; shifts the reading frame from isoleucine 313.
Molecular consequence: frameshift variant.
Genome position (GRCh38, 1-based): chr2:27,506,548-27,506,551, ATTG deleted; deleting any 4 consecutive bases within chr2:27,506,547-27,506,551 gives the same sequence; the c. name uses the placement nearest the transcript's 3' end. VCF-style (leftmost placement, unchanged base first): chr2-27506546-AGATT-A. GRCh37 (hg19) VCF-style: chr2-27729413-AGATT-A.
Other names: short protein forms I313fs.
Identifiers: ClinVar variation 2981824 (VCV002981824.3), dbSNP rs774821374, ClinGen allele CA1581783.

ClinVar aggregate classification (germline): Uncertain significance (1 of 4 stars; one submission).

Submission:

Labcorp Genetics (formerly Invitae), Labcorp
Classification: Uncertain significance. Last evaluated: 2022-10-31. Review status: criteria provided, single submitter. Criteria: Invitae Variant Classification Sherloc (09022015). Collection method: clinical testing. Allele origin: germline.
Comment: In summary, the available evidence is currently insufficient to determine the role of this variant in disease. Therefore, it has been classified as a Variant of Uncertain Significance. This variant has not been reported in the literature in individuals affected with GCKR-related conditions. This variant is present in population databases (rs774821374, gnomAD 0.01%). This sequence change creates a premature translational stop signal (p.Ile313Profs*3) in the GCKR gene. It is expected to result in an absent or disrupted protein product. However, the current clinical and genetic evidence is not sufficient to establish whether loss-of-function variants in GCKR cause disease.